The following is an entry in ClinVar:

ClinVar aggregate classification (germline): Likely benign. Review status: criteria provided, single submitter (1 of 4 stars). 2 submissions from 2 submitters: Likely benign (1). 1 of the submissions does not count toward it. Last evaluated 2025-07-14.

Conditions:
Rubinstein-Taybi syndrome due to EP300 haploinsufficiency. Also called: RUBINSTEIN-TAYBI SYNDROME 2; EP300-Related Rubinstein-Taybi Syndrome. Identifiers: Orphanet 353284, Orphanet 783, MedGen C3150941, MONDO:0013364, OMIM 613684.
EP300-related disorder. Also called: EP300-related disorders; EP300-related condition.

Allele frequency attached by ClinVar (database versions not stated): TOPMed 0.00006; ESP Exome Variant Server 0.00008; gnomAD exomes 0.00009 and 0.00015; gnomAD 0.00010; ExAC 0.00020.
gnomAD v4.1: 143 of 1,614,038 alleles (0.0089%); highest among the groups gnomAD compares: Middle Eastern, 0.016%; no homozygotes.

Submissions (2):

Labcorp Genetics (formerly Invitae), Labcorp
Classification: Likely benign for Rubinstein-Taybi syndrome due to EP300 haploinsufficiency. Last evaluated: 2025-07-14. Review status: criteria provided, single submitter. Criteria: Invitae Variant Classification Sherloc (09022015). Collection method: clinical testing. Allele origin: germline.

PreventionGenetics, part of Exact Sciences
Classification: Likely benign for EP300-related condition. Last evaluated: 2023-05-02. Review status: no assertion criteria provided. Collection method: clinical testing. Allele origin: germline. Not counted in ClinVar's aggregate classification.
Comment: This variant is classified as likely benign based on ACMG/AMP sequence variant interpretation guidelines (Richards et al. 2015 PMID: 25741868, with internal and published modifications).

NM_001429.4(EP300):c.7167C>T (p.Ser2389=)

Gene: EP300 (EP300 lysine acetyltransferase; plus strand). Cytogenetic location: 22q13.2.
Variant type: single nucleotide variant.
Coding change: c.7167C>T on transcript NM_001429.4 (MANE Select); coding-DNA position 7167, C replaced by T.
Protein change: p.Ser2389=; no amino-acid change (serine 2389 retained).
Molecular consequence: synonymous variant.
Genome position (GRCh38, 1-based): chr22:41,178,878, C>T. VCF-style: chr22-41178878-C-T. GRCh37 (hg19) VCF-style: chr22-41574882-C-T.
Other names: c.7089C>T, p.Ser2363= (NM_001362843.2).
Identifiers: ClinVar variation 719924 (VCV000719924.8), dbSNP rs150845823, ClinGen allele CA10254049.